The following is an entry in ClinVar:

NM_013322.3(SNX10):c.95A>C (p.Tyr32Ser)

Gene: SNX10 (sorting nexin 10; plus strand). Cytogenetic location: 7p15.2.
Variant type: single nucleotide variant.
Coding change: c.95A>C on transcript NM_013322.3 (MANE Select); coding-DNA position 95, A replaced by C.
Protein change: p.Tyr32Ser; replaces tyrosine 32 with serine.
Molecular consequence: missense variant.
Genome position (GRCh38, 1-based): chr7:26,361,045, A>C. VCF-style: chr7-26361045-A-C. GRCh37 (hg19) VCF-style: chr7-26400665-A-C.
Other names: c.95A>C, p.Tyr32Ser (NM_001199835.1, NM_001318199.3); c.86A>C, p.Tyr29Ser (NM_001199837.3); c.173A>C, p.Tyr58Ser (NM_001318198.1, NM_001362753.1, NM_001362754.1); short protein forms Y29S, Y58S, Y32S.
Identifiers: ClinVar variation 2714651 (VCV002714651.6), dbSNP rs771038257, ClinGen allele CA4195170.

ClinVar aggregate classification (germline): Pathogenic/Likely pathogenic. Review status: criteria provided, multiple submitters, no conflicts (2 of 4 stars). 3 submissions from 3 submitters: Pathogenic (1); Likely pathogenic (2). Last evaluated 2026-06-04.

Conditions:
Autosomal recessive osteopetrosis 8. Identifiers: Orphanet 667, MedGen C3554478, MONDO:0014040, OMIM 615085.

Allele frequency attached by ClinVar (database versions not stated): ExAC 0.00001; gnomAD 0.00001; TOPMed 0.00001.
gnomAD v4.1: 6 of 1,603,010 alleles (0.00037%); highest among the groups gnomAD compares: Admixed American, 0.005%; no homozygotes.

Submissions (3):

Women's Health and Genetics/Laboratory Corporation of America, LabCorp
Classification: Pathogenic for Autosomal recessive osteopetrosis 8. Last evaluated: 2026-06-04. Review status: criteria provided, single submitter. Criteria: LabCorp Variant Classification Summary - May 2015. Collection method: clinical testing. Allele origin: germline.
Comment: Variant summary: SNX10 c.95A>C (p.Tyr32Ser) results in a non-conservative amino acid change in the encoded protein sequence. Algorithms developed to predict the effect of missense changes on protein structure and function all suggest that this variant is likely to be disruptive. The variant allele was found at a frequency of 1.2e-05 in 250332 control chromosomes. c.95A>C has been observed in multiple individuals affected with Autosomal recessive osteopetrosis 8 and has been found to segregate with the phenotype in affected families (e.g. Pangrazio_2013). These data indicate that the variant is very likely to be associated with disease. At least one publication reports experimental evidence evaluating an impact on protein function and found the variant severely impairs vacuolation activity in vitro (Xu_2014). The following publications have been ascertained in the context of this evaluation (PMID: 23280965, 25212774). ClinVar contains an entry for this variant (Variation ID: 2714651). Based on the evidence outlined above, the variant was classified as pathogenic.

Labcorp Genetics (formerly Invitae), Labcorp
Classification: Likely pathogenic. Last evaluated: 2025-12-08. Review status: criteria provided, single submitter. Criteria: Invitae Variant Classification Sherloc (09022015). Collection method: clinical testing. Allele origin: germline.
Comment: This sequence change replaces tyrosine, which is neutral and polar, with serine, which is neutral and polar, at codon 32 of the SNX10 protein (p.Tyr32Ser). This variant is present in population databases (rs771038257, gnomAD 0.01%). This missense change has been observed in individuals with osteopetrosis (PMID: 23280965). It has also been observed to segregate with disease in related individuals. ClinVar contains an entry for this variant (Variation ID: 2714651). An algorithm developed to predict the effect of missense changes on protein structure and function (PolyPhen-2) suggests that this variant is likely to be disruptive. Experimental studies have shown that this missense change affects SNX10 function (PMID: 25212774). In summary, the currently available evidence indicates that the variant is pathogenic, but additional data are needed to prove that conclusively. Therefore, this variant has been classified as Likely Pathogenic.

Dasa
Classification: Likely pathogenic. Last evaluated: 2025-05-29. Review status: criteria provided, single submitter. Criteria: DASA Assertion Criteria. Collection method: clinical testing. Allele origin: germline.
Comment: NM_013322.3(SNX10):c.95A>C (p.Tyr32Ser) is a missense variant that results in the substitution of tyrosine with serine. Segregation data support an association with disease in the reported family/families (PMID: 23280965). This variant has been reported in individuals with SNX10-related disorders (PMID: 23280965). Functional evidence supports an impact on the gene or gene product (PMID: 23280965). Also, this variant is rare in population databases. Computational evidence supports a deleterious effect. Based on the currently available evidence, this variant is classified as likely pathogenic.

Literature cited by the submitters: PubMed 23280965 (cited by 3 submitters); PubMed 25212774 (cited by 3 submitters).